The following is an entry in ClinVar:

ClinVar aggregate classification (germline): Uncertain significance (1 of 4 stars; one submission).

Submission:

Greenwood Genetic Center Diagnostic Laboratories, Greenwood Genetic Center
Classification: Uncertain significance. Last evaluated: 2023-05-03. Review status: criteria provided, single submitter. Criteria: ACMG Guidelines, 2015. Collection method: clinical testing. Allele origin: germline. Affected: yes.
Comment: PM2

NM_001375524.1(TRRAP):c.5621C>T (p.Pro1874Leu)

Gene: TRRAP (transformation/transcription domain associated protein; plus strand). Cytogenetic location: 7q22.1.
Variant type: single nucleotide variant.
Coding change: c.5621C>T on transcript NM_001375524.1 (MANE Select); coding-DNA position 5621, C replaced by T.
Protein change: p.Pro1874Leu; replaces proline 1874 with leucine.
Molecular consequence: missense variant.
Genome position (GRCh38, 1-based): chr7:98,953,324, C>T. VCF-style: chr7-98953324-C-T. GRCh37 (hg19) VCF-style: chr7-98550947-C-T.
Other names: c.5600C>T, p.Pro1867Leu (NM_001244580.2); c.5546C>T, p.Pro1849Leu (NM_003496.4); short protein forms P1849L, P1867L, P1874L.
Identifiers: ClinVar variation 2572191 (VCV002572191.1), dbSNP rs2484867873, ClinGen allele CA368320770.
Genomic context (GRCh38, chr7:98,953,324, plus strand): 5'-TCCATGACAACAACAAGAACCGCAACAGCAAGCTGCGCCGCCTCATGACCTTCGCCTGGC[C>T]CTGCCTGCTCTCCAAGGCCTGCGTGGACCCAGCCTGCAAGTACAGCGGACACTTGCTCCT-3'
Protein context (NP_001362453.1, residues 1864-1884): KLRRLMTFAW[Pro1874Leu]CLLSKACVDP